The following is an entry in ClinVar:

ClinVar aggregate classification (germline): Uncertain significance (1 of 4 stars; one submission).

Submission:

Labcorp Genetics (formerly Invitae), Labcorp
Classification: Uncertain significance. Last evaluated: 2025-02-24. Review status: criteria provided, single submitter. Criteria: Invitae Variant Classification Sherloc (09022015). Collection method: clinical testing. Allele origin: germline.
Comment: This sequence change replaces leucine, which is neutral and non-polar, with phenylalanine, which is neutral and non-polar, at codon 902 of the MYH9 protein (p.Leu902Phe). This variant is not present in population databases (gnomAD no frequency). This variant has not been reported in the literature in individuals affected with MYH9-related conditions. Invitae Evidence Modeling of protein sequence and biophysical properties (such as structural, functional, and spatial information, amino acid conservation, physicochemical variation, residue mobility, and thermodynamic stability) indicates that this missense variant is not expected to disrupt MYH9 protein function with a negative predictive value of 95%. In summary, the available evidence is currently insufficient to determine the role of this variant in disease. Therefore, it has been classified as a Variant of Uncertain Significance.

NM_002473.6(MYH9):c.2704C>T (p.Leu902Phe)

Genes: MYH9 (myosin heavy chain 9; minus strand), LOC126863137 (CDK7 strongly-dependent group 2 enhancer GRCh37_chr22:36696002-36697201; plus strand). Cytogenetic location: 22q12.3.
Variant type: single nucleotide variant.
Coding change: c.2704C>T on transcript NM_002473.6 (MANE Select); coding-DNA position 2704, C replaced by T.
Protein change: p.Leu902Phe; replaces leucine 902 with phenylalanine.
Molecular consequence: missense variant.
Genome position (GRCh38, 1-based): chr22:36,300,985, G>A on the plus strand (C>T on the coding strand, the complement: MYH9 is on the minus strand). VCF-style: chr22-36300985-G-A. GRCh37 (hg19) VCF-style: chr22-36697031-G-A.
Other names: short protein forms L902F.
Identifiers: ClinVar variation 3719669 (VCV003719669.2).
Genomic context (GRCh38, chr22:36,300,985, plus strand): 5'-CCTCTAGGTCATGGCAGATCTCTTCTAATTCCTGCTTCTTGGCGGTCAGGCGGGCCCGGA[G>A]CTCCTCAGCCTCGGCACACAGCTCGGTTTCTGCCTGGAGCTGCTCCTGCAGCTGCAATTT-3'
Protein context (NP_002464.1, residues 892-912): ETELCAEAEE[Leu902Phe]RARLTAKKQE